The following is an entry in ClinVar:

ClinVar aggregate classification (germline): Uncertain significance (1 of 4 stars; one submission).

Conditions:
Cardiovascular phenotype. Identifiers: MedGen CN230736.

gnomAD v4.1: 1 of 1,613,746 alleles (0.000062%); highest among the groups gnomAD compares: Admixed American, 0.0017%; no homozygotes.

Submission:

Ambry Genetics
Classification: Uncertain significance for Cardiovascular phenotype. Last evaluated: 2026-04-02. Review status: criteria provided, single submitter. Criteria: Ambry Variant Classification Scheme 2023. Collection method: clinical testing. Allele origin: germline.
Comment: The p.A474V variant (also known as c.1421C>T), located in coding exon 8 of the AKAP9 gene, results from a C to T substitution at nucleotide position 1421. The alanine at codon 474 is replaced by valine, an amino acid with similar properties. This amino acid position is conserved. In addition, this alteration is predicted to be tolerated by in silico analysis. Based on the available evidence, the clinical significance of this variant remains unclear.

NM_005751.5(AKAP9):c.1421C>T (p.Ala474Val)

Gene: AKAP9 (A-kinase anchoring protein 9; plus strand). Cytogenetic location: 7q21.2.
Variant type: single nucleotide variant.
Coding change: c.1421C>T on transcript NM_005751.5 (MANE Select); coding-DNA position 1421, C replaced by T.
Protein change: p.Ala474Val; replaces alanine 474 with valine.
Molecular consequence: missense variant.
Genome position (GRCh38, 1-based): chr7:92,001,338, C>T. VCF-style: chr7-92001338-C-T. GRCh37 (hg19) VCF-style: chr7-91630652-C-T.
Other names: c.1421C>T, p.Ala474Val (NM_147185.3); short protein forms A474V.
Identifiers: ClinVar variation 4868918 (VCV004868918.1).